The following is an entry in ClinVar:

ClinVar aggregate classification (germline): Benign/Likely benign. Review status: criteria provided, multiple submitters, no conflicts (2 of 4 stars). 5 submissions from 5 submitters: Benign (1); Likely benign (4). Last evaluated 2026-07-01.

Conditions:
Cardiovascular phenotype. Identifiers: MedGen CN230736.
Arrhythmogenic right ventricular dysplasia 8 (ARVD8). Also called: ARRHYTHMOGENIC RIGHT VENTRICULAR DYSPLASIA, FAMILIAL, 8; ARRHYTHMOGENIC RIGHT VENTRICULAR CARDIOMYOPATHY 8; Arrhythmogenic Right Ventricular Dysplasia/Cardiomyopathy 8. Identifiers: MedGen C1843896, MONDO:0011831, OMIM 607450.
Arrhythmogenic cardiomyopathy with wooly hair and keratoderma. Also called: PALMOPLANTAR KERATODERMA WITH LEFT VENTRICULAR CARDIOMYOPATHY AND WOOLLY HAIR; Carvajal syndrome; Dilated cardiomyopathy with woolly hair and keratoderma; Arrhythmogenic cardiomyopathy with woolly hair and keratoderma. Identifiers: Orphanet 65282, MedGen C1854063, MONDO:0011581, OMIM 605676.
Cardiomyopathy (CMYO). Also called: Cardiomyopathies. Identifiers: Orphanet 167848, MedGen C0878544, MONDO:0004994, HP:0001638. Inheritance: Various modes of inheritance.

Allele frequency attached by ClinVar (database versions not stated): gnomAD 0.00003; gnomAD exomes 0.00001; TOPMed 0.00001.
gnomAD v4.1: 7 of 1,613,934 alleles (0.00043%); highest among the groups gnomAD compares: Admixed American, 0.012%; no homozygotes.

Submissions (5):

CeGaT Center for Human Genetics Tuebingen
Classification: Likely benign. Last evaluated: 2026-07-01. Review status: criteria provided, single submitter. Criteria: CeGaT Center For Human Genetics Tuebingen Variant Classification Criteria Version 2. Collection method: clinical testing. Allele origin: germline. Affected: yes. Observed: 1 variant allele.
Comment: DSP: BP4, BP7

Labcorp Genetics (formerly Invitae), Labcorp
Classification: Benign for Arrhythmogenic cardiomyopathy with wooly hair and keratoderma; Arrhythmogenic right ventricular dysplasia 8. Last evaluated: 2025-10-13. Review status: criteria provided, single submitter. Criteria: Invitae Variant Classification Sherloc (09022015). Collection method: clinical testing. Allele origin: germline.

Ambry Genetics
Classification: Likely benign for Cardiovascular phenotype. Last evaluated: 2024-11-18. Review status: criteria provided, single submitter. Criteria: Ambry Variant Classification Scheme 2023. Collection method: clinical testing. Allele origin: germline.

All of Us Research Program, National Institutes of Health
Classification: Likely benign for Arrhythmogenic cardiomyopathy with wooly hair and keratoderma. Last evaluated: 2024-08-06. Review status: criteria provided, single submitter. Criteria: ACMG Guidelines, 2015. Collection method: clinical testing. Allele origin: germline. Inheritance: Autosomal dominant inheritance. Observed: 3 variant alleles, 3 heterozygotes.
Comment: This study involves interpretation of variants in research participants for the purpose of population health screening. Participant phenotype was not available at the time of variant classification. Additional details can be found in publication PMID: 35346344, PMCID: PMC8962531

Color Diagnostics, LLC DBA Color Health
Classification: Likely benign for Cardiomyopathy. Last evaluated: 2019-12-09. Review status: criteria provided, single submitter. Criteria: ACMG Guidelines, 2015. Collection method: clinical testing. Allele origin: germline.

NM_004415.4(DSP):c.789T>C (p.Phe263=)

Gene: DSP (desmoplakin; plus strand). Cytogenetic location: 6p24.3.
Variant type: single nucleotide variant.
Coding change: c.789T>C on transcript NM_004415.4 (MANE Select); coding-DNA position 789, T replaced by C.
Protein change: p.Phe263=; no amino-acid change (phenylalanine 263 retained).
Molecular consequence: synonymous variant.
Genome position (GRCh38, 1-based): chr6:7,565,370, T>C. VCF-style: chr6-7565370-T-C. GRCh37 (hg19) VCF-style: chr6-7565603-T-C.
Other names: c.789T>C, p.Phe263= (NM_001008844.3, NM_001319034.2).
Identifiers: ClinVar variation 923910 (VCV000923910.7), dbSNP rs1354363918, ClinGen allele CA448517749.